The following is an entry in ClinVar:

ClinVar aggregate classification (germline): Likely benign. Review status: criteria provided, single submitter (1 of 4 stars). 2 submissions from 2 submitters: Likely benign (1). 1 of the submissions does not count toward it. Last evaluated 2023-04-15.

Conditions:
BBS2-related disorder. Also called: BBS2-related condition; BBS2-related disorders. Identifiers: MedGen CN239228.
Bardet-Biedl syndrome (BBS). Identifiers: Orphanet 110, MedGen C0752166, MONDO:0015229.

Allele frequency attached by ClinVar (database versions not stated): gnomAD 0.00001; gnomAD exomes 0.00001.
gnomAD v4.1: 11 of 1,613,228 alleles (0.00068%); highest among the groups gnomAD compares: Admixed American, 0.005%; no homozygotes.

Submissions (2):

Labcorp Genetics (formerly Invitae), Labcorp
Classification: Likely benign for Bardet-Biedl syndrome. Last evaluated: 2023-04-15. Review status: criteria provided, single submitter. Criteria: Invitae Variant Classification Sherloc (09022015). Collection method: clinical testing. Allele origin: germline.

PreventionGenetics, part of Exact Sciences
Classification: Likely benign for BBS2-related condition. Last evaluated: 2021-09-09. Review status: no assertion criteria provided. Collection method: clinical testing. Allele origin: germline. Not counted in ClinVar's aggregate classification.
Comment: This variant is classified as likely benign based on ACMG/AMP sequence variant interpretation guidelines (Richards et al. 2015 PMID: 25741868, with internal and published modifications).

NM_031885.5(BBS2):c.1752G>A (p.Ala584=)

Gene: BBS2 (Bardet-Biedl syndrome 2; minus strand). Cytogenetic location: 16q13.
Variant type: single nucleotide variant.
Coding change: c.1752G>A on transcript NM_031885.5 (MANE Select); coding-DNA position 1752, G replaced by A.
Protein change: p.Ala584=; no amino-acid change (alanine 584 retained).
Molecular consequence: synonymous variant. On other transcripts: non-coding transcript variant (5).
Genome position (GRCh38, 1-based): chr16:56,497,788, C>T on the plus strand (G>A on the coding strand, the complement: BBS2 is on the minus strand). VCF-style: chr16-56497788-C-T. GRCh37 (hg19) VCF-style: chr16-56531700-C-T.
Other names: c.1752G>A, p.Ala584= (NM_001377456.1); c.1752G>A (NM_031885.3).
Identifiers: ClinVar variation 2196819 (VCV002196819.6), dbSNP rs1488820299, ClinGen allele CA495586099.
Genomic context (GRCh38, chr16:56,497,788, plus strand): 5'-ACCGCATTCCCTCACCTTAACTAGCACCTTTCGTAATTCCTCAAAATAGACAGGAAAATC[C>T]GCTTCTACTTGAAGGTCTTCAATAGCAAAAAATGATGCCATTGACTGGATGATATCACCA-3'
Protein context (NP_114091.4, residues 574-594): FFAIEDLQVE[Ala584=]DFPVYFEELR